The following is an entry in ClinVar:

ClinVar aggregate classification (germline): Uncertain significance (1 of 4 stars; one submission).

gnomAD v4.1: 22 of 1,613,002 alleles (0.0014%); highest among the groups gnomAD compares: Non-Finnish European, 0.0018%; no homozygotes.

Submission:

Labcorp Genetics (formerly Invitae), Labcorp
Classification: Uncertain significance. Last evaluated: 2024-12-10. Review status: criteria provided, single submitter. Criteria: Invitae Variant Classification Sherloc (09022015). Collection method: clinical testing. Allele origin: germline.
Comment: This sequence change replaces tyrosine, which is neutral and polar, with cysteine, which is neutral and slightly polar, at codon 864 of the ACTN1 protein (p.Tyr864Cys). This variant is present in population databases (rs376070530, gnomAD 0.002%). This variant has not been reported in the literature in individuals affected with ACTN1-related conditions. Invitae Evidence Modeling of protein sequence and biophysical properties (such as structural, functional, and spatial information, amino acid conservation, physicochemical variation, residue mobility, and thermodynamic stability) indicates that this missense variant is not expected to disrupt ACTN1 protein function with a negative predictive value of 80%. In summary, the available evidence is currently insufficient to determine the role of this variant in disease. Therefore, it has been classified as a Variant of Uncertain Significance.

NM_001130004.2(ACTN1):c.2591A>G (p.Tyr864Cys)

Gene: ACTN1 (actinin alpha 1; minus strand). Cytogenetic location: 14q24.1.
Variant type: single nucleotide variant.
Coding change: c.2591A>G on transcript NM_001130004.2 (MANE Select); coding-DNA position 2591, A replaced by G.
Protein change: p.Tyr864Cys; replaces tyrosine 864 with cysteine.
Molecular consequence: missense variant.
Genome position (GRCh38, 1-based): chr14:68,875,013, T>C on the plus strand (A>G on the coding strand, the complement: ACTN1 is on the minus strand). VCF-style: chr14-68875013-T-C. GRCh37 (hg19) VCF-style: chr14-69341730-T-C.
Other names: c.2447A>G, p.Tyr816Cys (NM_001424022.1); c.2444A>G, p.Tyr815Cys (NM_001424023.1); c.2408A>G, p.Tyr803Cys (NM_001424024.1); c.2342A>G, p.Tyr781Cys (NM_001424025.1); c.2330A>G, p.Tyr777Cys (NM_001424026.1, NM_001411036.1); c.2327A>G, p.Tyr776Cys (NM_001424027.1); c.2315A>G, p.Tyr772Cys (NM_001424028.1); c.2261A>G, p.Tyr754Cys (NM_001424029.1); and 14 more; short protein forms Y815C, Y816C, Y821C, Y837C, Y871C, Y884C, Y885C, Y776C.
Identifiers: ClinVar variation 3717155 (VCV003717155.2).